The following is an entry in ClinVar:

ClinVar aggregate classification (germline): Uncertain significance (0 of 4 stars; one submission).

Conditions:
HIVEP2-related disorder. Also called: HIVEP2-related condition.

gnomAD v4.1: 2 of 1,614,178 alleles (0.00012%); highest among the groups gnomAD compares: Non-Finnish European, 0.00017%; no homozygotes.

Submission:

PreventionGenetics, part of Exact Sciences
Classification: Uncertain significance for HIVEP2-related condition. Last evaluated: 2024-07-29. Review status: no assertion criteria provided. Collection method: clinical testing. Allele origin: germline.
Comment: The HIVEP2 c.4237T>G variant is predicted to result in the amino acid substitution p.Leu1413Val. To our knowledge, this variant has not been reported in the literature or in a large population database, indicating this variant is rare. At this time, the clinical significance of this variant is uncertain due to the absence of conclusive functional and genetic evidence.

NM_006734.4(HIVEP2):c.4237T>G (p.Leu1413Val)

Gene: HIVEP2 (HIVEP zinc finger 2; minus strand). Cytogenetic location: 6q24.2.
Variant type: single nucleotide variant.
Coding change: c.4237T>G on transcript NM_006734.4 (MANE Select); coding-DNA position 4237, T replaced by G.
Protein change: p.Leu1413Val; replaces leucine 1413 with valine.
Molecular consequence: missense variant.
Genome position (GRCh38, 1-based): chr6:142,770,502, A>C on the plus strand (T>G on the coding strand, the complement: HIVEP2 is on the minus strand). VCF-style: chr6-142770502-A-C. GRCh37 (hg19) VCF-style: chr6-143091639-A-C.
Other names: short protein forms L1413V.
Identifiers: ClinVar variation 3347345 (VCV003347345.1).